The following is an entry in ClinVar:

NM_182914.3(SYNE2):c.11641A>T (p.Ser3881Cys)

Gene: SYNE2 (spectrin repeat containing nuclear envelope protein 2; plus strand). Cytogenetic location: 14q23.2.
Variant type: single nucleotide variant.
Coding change: c.11641A>T on transcript NM_182914.3 (MANE Select); coding-DNA position 11641, A replaced by T.
Protein change: p.Ser3881Cys; replaces serine 3881 with cysteine.
Molecular consequence: missense variant.
Genome position (GRCh38, 1-based): chr14:64,087,827, A>T. VCF-style: chr14-64087827-A-T. GRCh37 (hg19) VCF-style: chr14-64554545-A-T.
Other names: c.11641A>T, p.Ser3881Cys (NM_015180.6); short protein forms S3881C.
Identifiers: ClinVar variation 1507281 (VCV001507281.6), dbSNP rs2153622293, ClinGen allele CA389946371.

ClinVar aggregate classification (germline): Uncertain significance (1 of 4 stars; one submission).

Conditions:
Emery-Dreifuss muscular dystrophy 5, autosomal dominant (EDMD5). Also called: EMERY-DREIFUSS MUSCULAR DYSTROPHY 5. Identifiers: Orphanet 261, MedGen C2751805, MONDO:0013072, OMIM 612999.

Submission:

Labcorp Genetics (formerly Invitae), Labcorp
Classification: Uncertain significance for Emery-Dreifuss muscular dystrophy 5, autosomal dominant. Last evaluated: 2022-06-04. Review status: criteria provided, single submitter. Criteria: Invitae Variant Classification Sherloc (09022015). Collection method: clinical testing. Allele origin: germline.
Comment: ClinVar contains an entry for this variant (Variation ID: 1507281). This variant has not been reported in the literature in individuals affected with SYNE2-related conditions. In summary, the available evidence is currently insufficient to determine the role of this variant in disease. Therefore, it has been classified as a Variant of Uncertain Significance. Algorithms developed to predict the effect of missense changes on protein structure and function are either unavailable or do not agree on the potential impact of this missense change (SIFT: "Tolerated"; PolyPhen-2: "Possibly Damaging"; Align-GVGD: "Class C0"). This variant is not present in population databases (gnomAD no frequency). This sequence change replaces serine, which is neutral and polar, with cysteine, which is neutral and slightly polar, at codon 3881 of the SYNE2 protein (p.Ser3881Cys).